The following is an entry in ClinVar:

ClinVar aggregate classification (germline): Pathogenic (1 of 4 stars; one submission).

Submission:

Labcorp Genetics (formerly Invitae), Labcorp
Classification: Pathogenic. Last evaluated: 2022-09-28. Review status: criteria provided, single submitter. Criteria: Invitae Variant Classification Sherloc (09022015). Collection method: clinical testing. Allele origin: germline.
Comment: For these reasons, this variant has been classified as Pathogenic. This variant has not been reported in the literature in individuals affected with TONSL-related conditions. This variant is not present in population databases (gnomAD no frequency). This sequence change creates a premature translational stop signal (p.Gln821Profs*41) in the TONSL gene. It is expected to result in an absent or disrupted protein product. Loss-of-function variants in TONSL are known to be pathogenic (PMID: 30773277).

Literature cited by the submitters: PubMed 30773277.

NM_013432.5(TONSL):c.2461dup (p.Gln821fs)

Genes: TONSL (tonsoku like, DNA repair protein; minus strand), TONSL-AS1 (TONSL antisense RNA 1; plus strand). Cytogenetic location: 8q24.3.
Variant type: Duplication.
Coding change: c.2461dup on transcript NM_013432.5 (MANE Select); coding-DNA position 2461, one base duplicated (C; older notation c.2461dupC).
Protein change: p.Gln821fs; shifts the reading frame from glutamine 821.
Molecular consequence: frameshift variant.
Genome position (GRCh38, 1-based): chr8:144,435,972, G duplicated on the plus strand (C on the coding strand, the reverse complement: TONSL is on the minus strand); the first of 6 consecutive G bases (chr8:144,435,972-144,435,977); duplicating any one gives the same sequence. VCF-style (leftmost placement, unchanged base first): chr8-144435971-T-TG. GRCh37 (hg19) VCF-style: chr8-145661354-T-TG.
Other names: short protein forms Q821fs.
Identifiers: ClinVar variation 2012001 (VCV002012001.4), dbSNP rs1324822892, ClinGen allele CA848882496.